The following is an entry in ClinVar:

NM_001267550.2(TTN):c.76339G>C (p.Val25447Leu)

Genes: TTN (titin; minus strand), TTN-AS1 (TTN antisense RNA 1; plus strand). Cytogenetic location: 2q31.2.
Variant type: single nucleotide variant.
Coding change: c.76339G>C on transcript NM_001267550.2 (MANE Select); coding-DNA position 76339, G replaced by C.
Protein change: p.Val25447Leu; replaces valine 25447 with leucine.
Molecular consequence: missense variant.
Genome position (GRCh38, 1-based): chr2:178,569,793, C>G on the plus strand (G>C on the coding strand, the complement: TTN is on the minus strand). VCF-style: chr2-178569793-C-G. GRCh37 (hg19) VCF-style: chr2-179434520-C-G.
Other names: c.71416G>C, p.Val23806Leu (NM_001256850.1); c.49144G>C, p.Val16382Leu (NM_003319.4); c.68635G>C, p.Val22879Leu (NM_133378.4); c.49519G>C, p.Val16507Leu (NM_133432.3); c.49720G>C, p.Val16574Leu (NM_133437.4); short protein forms V16574L, V25447L, V16382L, V16507L, V22879L, V23806L.
Identifiers: ClinVar variation 1744065 (VCV001744065.6), dbSNP rs374106281, ClinGen allele CA60994079.

ClinVar aggregate classification (germline): Conflicting classifications of pathogenicity. Review status: criteria provided, conflicting classifications (1 of 4 stars). 4 submissions from 4 submitters: Uncertain significance (3); Likely benign (1). Last evaluated 2026-08-14.

Conditions:
TTN-related disorder. Also called: TTN-related condition; TTN-related disease; TTN-related disorders.
Cardiovascular phenotype. Identifiers: MedGen CN230736.

Allele frequency attached by ClinVar (database versions not stated): gnomAD exomes 0.00001; gnomAD 0.00001; TOPMed 0.00002; ESP Exome Variant Server 0.00008.
gnomAD v4.1: 21 of 1,613,170 alleles (0.0013%); highest among the groups gnomAD compares: Non-Finnish European, 0.0017%; no homozygotes.

Submissions (4):

Ambry Genetics
Classification: Likely benign for Cardiovascular phenotype. Last evaluated: 2026-08-14. Review status: criteria provided, single submitter. Criteria: Ambry Variant Classification Scheme 2023. Collection method: clinical testing. Allele origin: germline.

PreventionGenetics, part of Exact Sciences
Classification: Uncertain significance for TTN-related condition. Last evaluated: 2026-05-25. Review status: criteria provided, single submitter. Criteria: ACMG Guidelines, 2015. Collection method: clinical testing. Allele origin: germline.
Comment: The TTN c.76339G>C variant is predicted to result in the amino acid substitution p.Val25447Leu. To our knowledge, this variant has not been reported in the literature. This variant is reported in 0.0018% of alleles in individuals of European (Non-Finnish) descent in gnomAD. At this time, the clinical significance of this variant is uncertain due to the absence of conclusive functional and genetic evidence.

Revvity Omics, Revvity
Classification: Uncertain significance. Last evaluated: 2025-01-06. Review status: criteria provided, single submitter. Criteria: ACMG Guidelines, 2015. Collection method: clinical testing. Allele origin: germline.

GeneDx
Classification: Uncertain significance. Last evaluated: 2023-03-09. Review status: criteria provided, single submitter. Criteria: GeneDx Variant Classification Process June 2021. Collection method: clinical testing. Allele origin: germline. Affected: yes.
Comment: Not observed at significant frequency in large population cohorts (gnomAD); Missense variant in a gene in which most reported pathogenic variants are truncating/loss of function; Has not been previously published as pathogenic or benign to our knowledge